The following is an entry in ClinVar:

NM_014967.5(FAN1):c.1702C>T (p.Gln568Ter)

Gene: FAN1 (FANCD2 and FANCI associated nuclease 1; plus strand). Cytogenetic location: 15q13.3.
Variant type: single nucleotide variant.
Coding change: c.1702C>T on transcript NM_014967.5 (MANE Select); coding-DNA position 1702, C replaced by T.
Protein change: p.Gln568Ter; replaces glutamine 568 with a stop codon.
Molecular consequence: nonsense.
Genome position (GRCh38, 1-based): chr15:30,913,982, C>T. VCF-style: chr15-30913982-C-T. GRCh37 (hg19) VCF-style: chr15-31206185-C-T.
Other names: short protein forms Q568*.
Identifiers: ClinVar variation 1179198 (VCV001179198.2), dbSNP rs2140913969, ClinGen allele CA391510692.

ClinVar aggregate classification (germline): Pathogenic (1 of 4 stars; one submission).

Conditions:
Karyomegalic interstitial nephritis. Identifiers: Orphanet 401996, MedGen C3553774, MONDO:0013898, OMIM 614817.

Submission:

Fulgent Genetics
Classification: Pathogenic for Karyomegalic interstitial nephritis. Last evaluated: 2021-06-30. Review status: criteria provided, single submitter. Criteria: ACMG Guidelines, 2015. Collection method: clinical testing. Allele origin: unknown.
Comment: This variant has been detected in individual(s) who were sent for testing of Renasight - kidney gene panel.